The following is an entry in ClinVar:

NM_004360.5(CDH1):c.2336G>T (p.Arg779Leu)

Gene: CDH1 (cadherin 1; plus strand). Cytogenetic location: 16q22.1.
Variant type: single nucleotide variant.
Coding change: c.2336G>T on transcript NM_004360.5 (MANE Select); coding-DNA position 2336, G replaced by T.
Protein change: p.Arg779Leu; replaces arginine 779 with leucine.
Molecular consequence: missense variant.
Genome position (GRCh38, 1-based): chr16:68,829,694, G>T. VCF-style: chr16-68829694-G-T. GRCh37 (hg19) VCF-style: chr16-68863597-G-T.
Other names: c.2153G>T, p.Arg718Leu (NM_001317184.2); c.788G>T, p.Arg263Leu (NM_001317185.2); c.371G>T, p.Arg124Leu (NM_001317186.2); short protein forms R718L, R124L, R263L, R779L.
Identifiers: ClinVar variation 2567620 (VCV002567620.2), dbSNP rs587781311, ClinGen allele CA396470934.
Genomic context (GRCh38, chr16:68,829,694, plus strand): 5'-TCAACCTTTTTTCTCCAAAGGACTTTGACTTGAGCCAGCTGCACAGGGGCCTGGACGCTC[G>T]GCCTGAAGTGACTCGTAACGACGTTGCACCAACCCTCATGAGTGTCCCCCGGTATCTTCC-3'
Protein context (NP_004351.1, residues 769-789): LSQLHRGLDA[Arg779Leu]PEVTRNDVAP

ClinVar aggregate classification (germline): Uncertain significance (1 of 4 stars; one submission).

Conditions:
Hereditary cancer-predisposing syndrome. Also called: Hereditary neoplastic syndrome; Hereditary Cancer Syndrome; Neoplastic Syndromes, Hereditary; Tumor predisposition. Identifiers: Orphanet 140162, MedGen C0027672, MeSH D009386, MONDO:0015356.

Submission:

Ambry Genetics
Classification: Uncertain significance for Hereditary cancer-predisposing syndrome. Last evaluated: 2023-05-27. Review status: criteria provided, single submitter. Criteria: Ambry Variant Classification Scheme 2023. Collection method: clinical testing. Allele origin: germline.
Comment: The p.R779L variant (also known as c.2336G>T), located in coding exon 15 of the CDH1 gene, results from a G to T substitution at nucleotide position 2336. The arginine at codon 779 is replaced by leucine, an amino acid with dissimilar properties. This amino acid position is conserved. In addition, the in silico prediction for this alteration is inconclusive. Since supporting evidence is limited at this time, the clinical significance of this alteration remains unclear.